The following is an entry in ClinVar:

ClinVar aggregate classification (germline): Conflicting classifications of pathogenicity. Review status: criteria provided, conflicting classifications (1 of 4 stars). 2 submissions from 2 submitters: Uncertain significance (1); Likely benign (1). Last evaluated 2024-09-05.

Allele frequency attached by ClinVar (database versions not stated): gnomAD exomes 0.00004.

Submissions (2):

Blueprint Genetics
Classification: Uncertain significance. Last evaluated: 2024-09-05. Review status: criteria provided, single submitter. Criteria: ACMG Guidelines, 2015. Collection method: clinical testing. Allele origin: germline.

GeneDx
Classification: Likely benign. Last evaluated: 2018-03-22. Review status: criteria provided, single submitter. Criteria: GeneDx Variant Classification (06012015). Collection method: clinical testing. Allele origin: germline. Affected: yes.
Comment: This variant is considered likely benign or benign based on one or more of the following criteria: it is a conservative change, it occurs at a poorly conserved position in the protein, it is predicted to be benign by multiple in silico algorithms, and/or has population frequency not consistent with disease.

NM_001164508.2(NEB):c.15686G>A (p.Arg5229His)

Gene: NEB (nebulin; minus strand). Cytogenetic location: 2q23.3.
Variant type: single nucleotide variant.
Coding change: c.15686G>A on transcript NM_001164508.2 (MANE Select); coding-DNA position 15686, G replaced by A.
Protein change: p.Arg5229His; replaces arginine 5229 with histidine.
Molecular consequence: missense variant. On other transcripts: intron variant (1).
Genome position (GRCh38, 1-based): chr2:151,583,744, C>T on the plus strand (G>A on the coding strand, the complement: NEB is on the minus strand). VCF-style: chr2-151583744-C-T. GRCh37 (hg19) VCF-style: chr2-152440258-C-T.
Other names: c.15686G>A, p.Arg5229His (NM_001164507.2, NM_001271208.2); c.11602-7390G>A (NM_004543.5); short protein forms R5229H.
Identifiers: ClinVar variation 684297 (VCV000684297.2), dbSNP rs1269112104, ClinGen allele CA348757755.